The following is an entry in ClinVar:

ClinVar aggregate classification (germline): Pathogenic. Review status: criteria provided, multiple submitters, no conflicts (2 of 4 stars). 3 submissions from 3 submitters: Pathogenic (3). Last evaluated 2023-05-03.

Conditions:
Hereditary cancer-predisposing syndrome. Also called: Neoplastic Syndromes, Hereditary; Hereditary Cancer Syndrome; Hereditary neoplastic syndrome; Tumor predisposition. Identifiers: Orphanet 140162, MedGen C0027672, MeSH D009386, MONDO:0015356.
Familial adenomatous polyposis 1 (FAP1). Also called: POLYPOSIS, ADENOMATOUS INTESTINAL; FAMILIAL ADENOMATOUS POLYPOSIS 1, ATTENUATED. Identifiers: MedGen C2713442, MONDO:0021056, OMIM 175100. Disease mechanism: loss of function.

Submissions (3):

Myriad Genetics, Inc.
Classification: Pathogenic for Familial adenomatous polyposis 1. Last evaluated: 2023-05-03. Review status: criteria provided, single submitter. Criteria: Myriad Autosomal Dominant, Autosomal Recessive and X-Linked Classification Criteria (2023). Collection method: clinical testing. Allele origin: unknown.
Comment: This variant is considered pathogenic. This variant occurs within a consensus splice junction and is predicted to result in abnormal mRNA splicing of either an out-of-frame exon or an in-frame exon necessary for protein stability and/or normal function. mRNA analysis has demonstrated abnormal mRNA splicing occurs [PMID: 15459959].

Labcorp Genetics (formerly Invitae), Labcorp
Classification: Pathogenic for Familial adenomatous polyposis 1. Last evaluated: 2021-08-19. Review status: criteria provided, single submitter. Criteria: Invitae Variant Classification Sherloc (09022015). Collection method: clinical testing. Allele origin: germline.
Comment: This sequence change affects an acceptor splice site in intron 4 of the APC gene. RNA analysis indicates that disruption of this splice site induces altered splicing and may result in an absent or disrupted protein product. This variant is not present in population databases (ExAC no frequency). Disruption of this splice site has been observed in individuals with clinical features of familial adenomatous polyposis (PMID: 15459959, 20434453, 20924072, 26446593). For these reasons, this variant has been classified as Pathogenic. Studies have shown that disruption of this splice site results in skipping of exon 5 (also known as exon 4) and introduces a premature termination codon (PMID: 15459959). The resulting mRNA is expected to undergo nonsense-mediated decay.

Ambry Genetics
Classification: Pathogenic for Hereditary cancer-predisposing syndrome. Last evaluated: 2021-06-01. Review status: criteria provided, single submitter. Criteria: Ambry Variant Classification Scheme 2023. Collection method: clinical testing. Allele origin: germline.
Comment: The c.423-2A>G intronic pathogenic mutation results from an A to G substitution two nucleotides upstream from coding exon 4 in the APC gene. This nucleotide position is highly conserved in available vertebrate species. This mutation has been reported in multiple families with classic familial adenomatous polyposis (FAP), including the Gardner syndrome variant (Rivera B et al. Ann Oncol, 2011 Apr;22:903-909; Papp J et al. Fam Cancer, 2016 Jan;15:85-97; Castellsagu&eacute; E et al. Gastroenterology, 2010 Aug;139:439-47, 447.e1; Ambry internal data). In one study, samples analyzed from individuals with this variant demonstrated allele-specific expression consistent with nonsense mediated decay/pathogenicity (Castellsagu&eacute; E et al. Gastroenterology, 2010 Aug;139:439-47, 447.e1). This variant is considered to be rare based on population cohorts in the Genome Aggregation Database (gnomAD). In silico splice site analysis predicts that this alteration will weaken the native splice acceptor site. In addition to the clinical data presented in the literature, alterations that disrupt the canonical splice site are expected to cause aberrant splicing, resulting in an abnormal protein or a transcript that is subject to nonsense-mediated mRNA decay. As such, this alteration is classified as a disease-causing mutation.

Literature cited by the submitters: PubMed 15459959 (cited by Myriad Genetics, Inc. and Labcorp Genetics (formerly Invitae), Labcorp); PubMed 20434453 (cited by Labcorp Genetics (formerly Invitae), Labcorp and Ambry Genetics); PubMed 20924072 (cited by Labcorp Genetics (formerly Invitae), Labcorp and Ambry Genetics); PubMed 26446593 (cited by Labcorp Genetics (formerly Invitae), Labcorp and Ambry Genetics).

NM_000038.6(APC):c.423-2A>G

Gene: APC (APC regulator of Wnt signaling pathway; plus strand). Cytogenetic location: 5q22.2.
Variant type: single nucleotide variant.
Coding change: c.423-2A>G on transcript NM_000038.6 (MANE Select); the canonical splice acceptor site of the intron before coding-DNA position 423, A replaced by G.
Molecular consequence: splice acceptor variant.
Genome position (GRCh38, 1-based): chr5:112,775,627, A>G. VCF-style: chr5-112775627-A-G. GRCh37 (hg19) VCF-style: chr5-112111324-A-G.
Other names: c.-613-2A>G (NM_001407470.1, NM_001407472.1, NM_001354906.2 and 1 more transcripts); c.423-2A>G (NM_001407447.1, NM_001354895.2, NM_001407456.1 and 16 more transcripts); c.453-2A>G (NM_001407446.1, NM_001354897.2, NM_001354902.2 and 1 more transcripts); c.246-2A>G (NM_001407453.1, NM_001354900.2, NM_001354901.2 and 1 more transcripts); c.348-2A>G (NM_001407451.1, NM_001354898.2, NM_001354904.2).
Identifiers: ClinVar variation 1459062 (VCV001459062.9), dbSNP rs879254087, ClinGen allele CA360617485.